The following is an entry in ClinVar:

ClinVar aggregate classification (germline): Pathogenic (1 of 4 stars; one submission).

Conditions:
Hypertrophic cardiomyopathy 26. Also called: Cardiomyopathy, familial hypertrophic, 26. Identifiers: Orphanet 75249, MedGen C4310749, MONDO:0014883, OMIM 617047.
Myofibrillar myopathy 5. Also called: Filaminopathy (type); FILAMINOPATHY, AUTOSOMAL DOMINANT. Identifiers: Orphanet 171445, MedGen C1836050, MONDO:0012289, OMIM 609524.
Distal myopathy with posterior leg and anterior hand involvement. Also called: WILLIAMS DISTAL MYOPATHY. Identifiers: Orphanet 63273, MedGen C3279722, MONDO:0013550, OMIM 614065.

Submission:

Labcorp Genetics (formerly Invitae), Labcorp
Classification: Pathogenic for Distal myopathy with posterior leg and anterior hand involvement; Myofibrillar myopathy 5; Hypertrophic cardiomyopathy 26. Last evaluated: 2023-01-10. Review status: criteria provided, single submitter. Criteria: Invitae Variant Classification Sherloc (09022015). Collection method: clinical testing. Allele origin: germline.
Comment: For these reasons, this variant has been classified as Pathogenic. This variant has not been reported in the literature in individuals affected with FLNC-related conditions. This variant is not present in population databases (gnomAD no frequency). This sequence change creates a premature translational stop signal (p.Ile716Thrfs*4) in the FLNC gene. It is expected to result in an absent or disrupted protein product. Loss-of-function variants in FLNC are known to be pathogenic (PMID: 27908349).

Literature cited by the submitters: PubMed 27908349.

NM_001458.5(FLNC):c.2145_2146dup (p.Ile716fs)

Genes: FLNC (filamin C; plus strand), LOC129999273 (ATAC-STARR-seq lymphoblastoid silent region 18616; plus strand). Cytogenetic location: 7q32.1.
Variant type: Duplication.
Coding change: c.2145_2146dup on transcript NM_001458.5 (MANE Select); coding-DNA positions 2145 to 2146, 2 bases duplicated (CA; older notation c.2145_2146dupCA).
Protein change: p.Ile716fs; shifts the reading frame from isoleucine 716.
Molecular consequence: frameshift variant.
Genome position (GRCh38, 1-based): chr7:128,842,254-128,842,255, CA duplicated; duplicating any 2 consecutive bases within chr7:128,842,253-128,842,255 gives the same sequence; the c. name uses the placement nearest the transcript's 3' end. VCF-style (leftmost placement, unchanged base first): chr7-128842252-G-GAC. GRCh37 (hg19) VCF-style: chr7-128482306-G-GAC.
Other names: c.2145_2146dup, p.Ile716fs (NM_001127487.2); short protein forms I716fs.
Identifiers: ClinVar variation 2943057 (VCV002943057.3), dbSNP rs2536630337, ClinGen allele CA2740097557.